The following is an entry in ClinVar:

ClinVar aggregate classification (germline): Uncertain significance (1 of 4 stars; one submission).

Submission:

Labcorp Genetics (formerly Invitae), Labcorp
Classification: Uncertain significance. Last evaluated: 2023-11-12. Review status: criteria provided, single submitter. Criteria: Invitae Variant Classification Sherloc (09022015). Collection method: clinical testing. Allele origin: germline.
Comment: This sequence change replaces serine, which is neutral and polar, with proline, which is neutral and non-polar, at codon 497 of the FZD4 protein (p.Ser497Pro). This variant is not present in population databases (gnomAD no frequency). This variant has not been reported in the literature in individuals affected with FZD4-related conditions. Advanced modeling of protein sequence and biophysical properties (such as structural, functional, and spatial information, amino acid conservation, physicochemical variation, residue mobility, and thermodynamic stability) has been performed at Invitae for this missense variant, however the output from this modeling did not meet the statistical confidence thresholds required to predict the impact of this variant on FZD4 protein function. In summary, the available evidence is currently insufficient to determine the role of this variant in disease. Therefore, it has been classified as a Variant of Uncertain Significance.

NM_012193.4(FZD4):c.1489T>C (p.Ser497Pro)

Genes: FZD4 (frizzled class receptor 4; minus strand), PRSS23 (serine protease 23; plus strand). Cytogenetic location: 11q14.2.
Variant type: single nucleotide variant.
Coding change: c.1489T>C on transcript NM_012193.4 (MANE Select); coding-DNA position 1489, T replaced by C.
Protein change: p.Ser497Pro; replaces serine 497 with proline.
Molecular consequence: missense variant. On other transcripts: non-coding transcript variant (2).
Genome position (GRCh38, 1-based): chr11:86,951,267, A>G on the plus strand (T>C on the coding strand, the complement: FZD4 is on the minus strand). VCF-style: chr11-86951267-A-G. GRCh37 (hg19) VCF-style: chr11-86662309-A-G.
Other names: short protein forms S497P.
Identifiers: ClinVar variation 2771834 (VCV002771834.3), dbSNP rs2495865015, ClinGen allele CA382011074.
Genomic context (GRCh38, chr11:86,951,267, plus strand): 5'-CCTTTCCAGAATTCACCAATCTGTTGGAACACTTCTGCCACGTGTGAAGAGTTTTGGCAG[A>G]CCAAATCCACATGCCTGAAGTGATGCCCACCAACAAAGACATAAAAATTTTCAACATTTC-3'
Protein context (NP_036325.2, residues 487-507): VGITSGMWIW[Ser497Pro]AKTLHTWQKC